The following is an entry in ClinVar:

ClinVar aggregate classification (germline): Uncertain significance. Review status: criteria provided, multiple submitters, no conflicts (2 of 4 stars). 2 submissions from 2 submitters: Uncertain significance (2). Last evaluated 2025-12-31.

Conditions:
Dilated cardiomyopathy 1JJ (CMD1JJ). Identifiers: Orphanet 154, MedGen C3808935, MONDO:0014095, OMIM 615235.

Submissions (2):

Labcorp Genetics (formerly Invitae), Labcorp
Classification: Uncertain significance for Dilated cardiomyopathy 1JJ. Last evaluated: 2025-12-31. Review status: criteria provided, single submitter. Criteria: Invitae Variant Classification Sherloc (09022015). Collection method: clinical testing. Allele origin: germline.
Comment: This sequence change creates a premature translational stop signal (p.Trp17*) in the LAMA4 gene. It is expected to result in an absent or disrupted protein product. However, the current clinical and genetic evidence is not sufficient to establish whether loss-of-function variants in LAMA4 cause disease. This variant is not present in population databases (gnomAD no frequency). This variant has not been reported in the literature in individuals affected with LAMA4-related conditions. ClinVar contains an entry for this variant (Variation ID: 3368160). In summary, the available evidence is currently insufficient to determine the role of this variant in disease. Therefore, it has been classified as a Variant of Uncertain Significance.

GeneDx
Classification: Uncertain significance. Last evaluated: 2024-01-22. Review status: criteria provided, single submitter. Criteria: GeneDx Variant Classification Process June 2021. Collection method: clinical testing. Allele origin: germline. Affected: yes.
Comment: Not observed at significant frequency in large population cohorts (gnomAD); Nonsense variant predicted to result in protein truncation or nonsense mediated decay in a gene or region of a gene for which loss of function is not a well-established mechanism of disease; Has not been previously published as pathogenic or benign to our knowledge

NM_001105206.3(LAMA4):c.50G>A (p.Trp17Ter)

Genes: LAMA4 (laminin subunit alpha 4; minus strand), LAMA4-AS1 (LAMA4 antisense RNA 1; plus strand). Cytogenetic location: 6q21.
Variant type: single nucleotide variant.
Coding change: c.50G>A on transcript NM_001105206.3 (MANE Select); coding-DNA position 50, G replaced by A.
Protein change: p.Trp17Ter; replaces tryptophan 17 with a stop codon.
Molecular consequence: nonsense.
Genome position (GRCh38, 1-based): chr6:112,254,101, C>T on the plus strand (G>A on the coding strand, the complement: LAMA4 is on the minus strand). VCF-style: chr6-112254101-C-T. GRCh37 (hg19) VCF-style: chr6-112575303-C-T.
Other names: c.50G>A, p.Trp17Ter (NM_001105207.3, NM_001105208.3, NM_001105209.3 and 1 more transcripts); short protein forms W17*.
Identifiers: ClinVar variation 3368160 (VCV003368160.2).